The following is an entry in ClinVar:

ClinVar aggregate classification (germline): Uncertain significance (1 of 4 stars; one submission).

Conditions:
Lethal congenital glycogen storage disease of heart. Also called: PHOSPHORYLASE KINASE DEFICIENCY OF HEART; GLYCOGEN STORAGE DISEASE OF HEART. Identifiers: Orphanet 439854, MedGen C1849813, MONDO:0009867, OMIM 261740.

Submission:

Labcorp Genetics (formerly Invitae), Labcorp
Classification: Uncertain significance for Lethal congenital glycogen storage disease of heart. Last evaluated: 2022-11-01. Review status: criteria provided, single submitter. Criteria: Invitae Variant Classification Sherloc (09022015). Collection method: clinical testing. Allele origin: germline.
Comment: This sequence change replaces proline, which is neutral and non-polar, with leucine, which is neutral and non-polar, at codon 85 of the PRKAG2 protein (p.Pro85Leu). This variant is not present in population databases (gnomAD no frequency). This variant has not been reported in the literature in individuals affected with PRKAG2-related conditions. Advanced modeling of protein sequence and biophysical properties (such as structural, functional, and spatial information, amino acid conservation, physicochemical variation, residue mobility, and thermodynamic stability) performed at Invitae indicates that this missense variant is not expected to disrupt PRKAG2 protein function. In summary, the available evidence is currently insufficient to determine the role of this variant in disease. Therefore, it has been classified as a Variant of Uncertain Significance.

NM_016203.4(PRKAG2):c.254C>T (p.Pro85Leu)

Gene: PRKAG2 (protein kinase AMP-activated non-catalytic subunit gamma 2; minus strand). Cytogenetic location: 7q36.1.
Variant type: single nucleotide variant.
Coding change: c.254C>T on transcript NM_016203.4 (MANE Select); coding-DNA position 254, C replaced by T.
Protein change: p.Pro85Leu; replaces proline 85 with leucine.
Molecular consequence: missense variant.
Genome position (GRCh38, 1-based): chr7:151,781,364, G>A on the plus strand (C>T on the coding strand, the complement: PRKAG2 is on the minus strand). VCF-style: chr7-151781364-G-A. GRCh37 (hg19) VCF-style: chr7-151478450-G-A.
Other names: c.122C>T, p.Pro41Leu (NM_001040633.2, NM_001407024.1, NM_001407026.1 and 2 more transcripts); c.254C>T, p.Pro85Leu (NM_001407021.1, NM_001407022.1, NM_001407023.1 and 2 more transcripts); short protein forms P85L, P41L.
Identifiers: ClinVar variation 1993536 (VCV001993536.4), dbSNP rs753496711, ClinGen allele CA370069817.
Genomic context (GRCh38, chr7:151,781,364, plus strand): 5'-ACGGTTTTGGGAGAGCCGGGGCTGGTCTTGGGCCTCACAGGTGCAGACATGGGGCTGGAG[G>A]GCCGGGGCTGGGGGCCTCTGGAGAAGAACCCTTTGGAGGGGCTGCCCGGGCCGAAGGGGC-3'
Protein context (NP_057287.2, residues 75-95): GFFSRGPQPR[Pro85Leu]SSPMSAPVRP